The following is an entry in ClinVar:

ClinVar aggregate classification (germline): Likely pathogenic. Review status: criteria provided, single submitter (1 of 4 stars). 2 submissions from 1 submitter: Likely pathogenic (1). 1 of the submissions does not count toward it. Last evaluated 2018-09-21.

Conditions:
Familial adenomatous polyposis 1 (FAP1). Also called: POLYPOSIS, ADENOMATOUS INTESTINAL; FAMILIAL ADENOMATOUS POLYPOSIS 1, ATTENUATED. Identifiers: MedGen C2713442, MONDO:0021056, OMIM 175100. Disease mechanism: loss of function.

Submissions (2):

Labcorp Genetics (formerly Invitae), Labcorp
Classification: Likely pathogenic for Familial adenomatous polyposis 1. Last evaluated: 2018-09-21. Review status: criteria provided, single submitter. Criteria: Invitae Variant Classification Sherloc (09022015). Collection method: clinical testing. Allele origin: germline.
Comment: In summary, the currently available evidence indicates that the variant is pathogenic, but additional data are needed to prove that conclusively. Therefore, this variant has been classified as Likely Pathogenic. There are several predicted outcomes¬†of this duplication on APC protein function. While APC expression may occur in the duplicated region containing promoter 1A, it is more likely to be expressed from the original region also containing promoter 1B, which has been shown to drive higher levels of APC expression (PMID: 21643010). Therefore, the duplicated copy likely results in¬†an absent or disrupted protein product. Experimental studies have not been tested for this variant. This particular gain has not been reported in the literature in individuals with APC-related disease. However, similar copy number gains involving promoter 1A, and exons 2 and 2-8 have been observed in individuals with¬†clinical features consistent with familial adenomatous polyposis (FAP) or attenuated FAP (Invitae). This variant¬†results in a copy number gain¬†of the genomic region encompassing promoter 1A and exons 2-5 of the APC gene. The 5' boundary is likely confined to be between promoter 1B and promoter 1A. The 3' boundary is likely confined to intron 5 of the APC gene.¬†While the exact position of this variant cannot be determined from this data, sub-genic copy number gains are generally in tandem (PMID: 25640679).

Labcorp Genetics (formerly Invitae), Labcorp
Classification: Likely pathogenic for Familial adenomatous polyposis 1. Last evaluated: 2018-10-02. Review status: flagged submission. Criteria: Invitae Variant Classification Sherloc (09022015). Collection method: clinical testing. Allele origin: germline. Not counted in ClinVar's aggregate classification.
Comment: This variantÂ¬â€ results in a copy number gainÂ¬â€ of the genomic region encompassing promoter 1A and exons 2-5 of the APC gene. The 5' boundary is likely confined to be between promoter 1B and promoter 1A. The 3' boundary is likely confined to intron 5 of the APC gene.Â¬â€ While the exact position of this variant cannot be determined from this data, sub-genic copy number gains are generally in tandem (PMID: 25640679). This particular gain has not been reported in the literature in individuals with APC-related disease. However, similar copy number gains involving promoter 1A, and exons 2 and 2-8 have been observed in individuals withÂ¬â€ clinical features consistent with familial adenomatous polyposis (FAP) or attenuated FAP (Invitae). There are several predicted outcomesÂ¬â€ of this duplication on APC protein function. While APC expression may occur in the duplicated region containing promoter 1A, it is more likely to be expressed from the original region also containing promoter 1B, which has been shown to drive higher levels of APC expression (PMID: 21643010). Therefore, the duplicated copy likely results inÂ¬â€ an absent or disrupted protein product. Experimental studies have not been tested for this variant. In summary, the currently available evidence indicates that the variant is pathogenic, but additional data are needed to prove that conclusively. Therefore, this variant has been classified as Likely Pathogenic.
ClinVar note: Reason: This record appears to be redundant with a more recent record from the same submitter.
ClinVar note: Notes: SCV000647148 appears to be redundant with SCV002286529.

Literature cited by the submitters: PubMed 21643010; PubMed 25640679.

NC_000005.9:g.(?_112072721)_(112111440_?)dup

Gene: APC (APC regulator of Wnt signaling pathway; plus strand). Cytogenetic location: 5q22.2.
Variant type: Duplication.
Identifiers: ClinVar variation 469686 (VCV000469686.8).